The following is an entry in ClinVar:

ClinVar aggregate classification (germline): Conflicting classifications of pathogenicity. Review status: criteria provided, conflicting classifications (1 of 4 stars). 7 submissions from 7 submitters: Uncertain significance (5); Likely benign (2). Last evaluated 2025-09-19.

Conditions:
Inborn genetic diseases. Identifiers: MedGen C0950123, MeSH D030342.
Deficiency of aromatic-L-amino-acid decarboxylase. Also called: Aromatic amino acid decarboxylase deficiency; Aromatic L-Amino Acid Decarboxylase Deficiency; AADC DEFICIENCY; DDC DEFICIENCY; DOPA DECARBOXYLASE DEFICIENCY. Identifiers: Orphanet 35708, MedGen C1291564, MONDO:0012084, OMIM 608643.

Allele frequency attached by ClinVar (database versions not stated): ExAC 0.00026; gnomAD exomes 0.00028 and 0.00076; ESP Exome Variant Server 0.00031; gnomAD 0.00044 and 0.00046; TOPMed 0.00048.
gnomAD v4.1: 1,184 of 1,614,186 alleles (0.073%); highest among the groups gnomAD compares: Non-Finnish European, 0.094%; 2 homozygotes.

Submissions (7):

Ambry Genetics
Classification: Uncertain significance for Inborn genetic diseases. Last evaluated: 2025-09-19. Review status: criteria provided, single submitter. Criteria: Ambry Variant Classification Scheme 2023. Collection method: clinical testing. Allele origin: germline.
Comment: The c.435+6G>T intronic alteration consists of a G to T substitution nucleotides after coding exon 3 in the DDC gene. Based on insufficient or conflicting evidence, the clinical significance of this alteration remains unclear.

Mayo Clinic Laboratories, Mayo Clinic
Classification: Likely benign. Last evaluated: 2025-07-09. Review status: criteria provided, single submitter. Criteria: ACMG Guidelines, 2015. Collection method: clinical testing. Allele origin: germline. Observed: 1 variant allele.
Comment: BP4, BP7

Blueprint Genetics
Classification: Likely benign. Last evaluated: 2024-11-25. Review status: criteria provided, single submitter. Criteria: ACMG Guidelines, 2015. Collection method: clinical testing. Allele origin: germline.

Labcorp Genetics (formerly Invitae), Labcorp
Classification: Uncertain significance for Deficiency of aromatic-L-amino-acid decarboxylase. Last evaluated: 2024-01-18. Review status: criteria provided, single submitter. Criteria: Invitae Variant Classification Sherloc (09022015). Collection method: clinical testing. Allele origin: germline.
Comment: This sequence change falls in intron 4 of the DDC gene. It does not directly change the encoded amino acid sequence of the DDC protein. It affects a nucleotide within the consensus splice site. This variant is present in population databases (rs373041067, gnomAD 0.06%). This variant has not been reported in the literature in individuals affected with DDC-related conditions. ClinVar contains an entry for this variant (Variation ID: 197166). Variants that disrupt the consensus splice site are a relatively common cause of aberrant splicing (PMID: 17576681, 9536098). Algorithms developed to predict the effect of sequence changes on RNA splicing suggest that this variant is not likely to affect RNA splicing. In summary, the available evidence is currently insufficient to determine the role of this variant in disease. Therefore, it has been classified as a Variant of Uncertain Significance.

Women's Health and Genetics/Laboratory Corporation of America, LabCorp
Classification: Uncertain significance. Last evaluated: 2023-07-03. Review status: criteria provided, single submitter. Criteria: LabCorp Variant Classification Summary - May 2015. Collection method: clinical testing. Allele origin: germline.

Illumina Laboratory Services, Illumina
Classification: Uncertain significance for Deficiency of aromatic-L-amino-acid decarboxylase. Last evaluated: 2018-01-12. Review status: criteria provided, single submitter. Criteria: ICSL Variant Classification Criteria 13 December 2019. Collection method: clinical testing. Allele origin: germline.

Eurofins Ntd Llc (ga)
Classification: Uncertain significance. Last evaluated: 2015-05-27. Review status: criteria provided, single submitter. Criteria: EGL Classification Definitions 2015. Collection method: clinical testing. Allele origin: germline. Observed: 1 variant allele, 1 heterozygote.

Literature cited by the submitters: PubMed 17576681 (cited by Labcorp Genetics (formerly Invitae), Labcorp); PubMed 9536098 (cited by Labcorp Genetics (formerly Invitae), Labcorp).

NM_001082971.2(DDC):c.435+6G>T

Genes: DDC-AS1 (DDC antisense RNA 1; plus strand), DDC (dopa decarboxylase; minus strand). Cytogenetic location: 7p12.1.
Variant type: single nucleotide variant.
Coding change: c.435+6G>T on transcript NM_001082971.2 (MANE Select); 6 bases into the intron after coding-DNA position 435, G replaced by T.
Molecular consequence: intron variant.
Genome position (GRCh38, 1-based): chr7:50,537,854, C>A on the plus strand (G>T on the coding strand, the complement: DDC is on the minus strand). VCF-style: chr7-50537854-C-A. GRCh37 (hg19) VCF-style: chr7-50605552-C-A.
Other names: p.?; c.201+6031G>T (NM_001242888.2); c.321+6G>T (NM_001242886.2); c.435+6G>T (NM_001242889.2, NM_001242887.2, NM_000790.4 and 1 more transcripts).
Identifiers: ClinVar variation 197166 (VCV000197166.21), dbSNP rs373041067, ClinGen allele CA245155.